The following is an entry in ClinVar:

NM_002181.4(IHH):c.250A>G (p.Asn84Asp)

Gene: IHH (Indian hedgehog signaling molecule; minus strand). Cytogenetic location: 2q35.
Variant type: single nucleotide variant.
Coding change: c.250A>G on transcript NM_002181.4 (MANE Select); coding-DNA position 250, A replaced by G.
Protein change: p.Asn84Asp; replaces asparagine 84 with aspartic acid.
Molecular consequence: missense variant.
Genome position (GRCh38, 1-based): chr2:219,060,218, T>C on the plus strand (A>G on the coding strand, the complement: IHH is on the minus strand). VCF-style: chr2-219060218-T-C. GRCh37 (hg19) VCF-style: chr2-219924940-T-C.
Other names: short protein forms N84D.
Identifiers: ClinVar variation 1395716 (VCV001395716.6), dbSNP rs2106310482, ClinGen allele CA350636835.

ClinVar aggregate classification (germline): Uncertain significance (1 of 4 stars; one submission).

Allele frequency attached by ClinVar (database versions not stated): gnomAD exomes below 0.00001.

Submission:

Labcorp Genetics (formerly Invitae), Labcorp
Classification: Uncertain significance. Last evaluated: 2024-08-12. Review status: criteria provided, single submitter. Criteria: Invitae Variant Classification Sherloc (09022015). Collection method: clinical testing. Allele origin: germline.
Comment: This sequence change replaces asparagine, which is neutral and polar, with aspartic acid, which is acidic and polar, at codon 84 of the IHH protein (p.Asn84Asp). This variant is not present in population databases (gnomAD no frequency). This variant has not been reported in the literature in individuals affected with IHH-related conditions. ClinVar contains an entry for this variant (Variation ID: 1395716). Advanced modeling of protein sequence and biophysical properties (such as structural, functional, and spatial information, amino acid conservation, physicochemical variation, residue mobility, and thermodynamic stability) performed at Invitae indicates that this missense variant is expected to disrupt IHH protein function with a positive predictive value of 80%. In summary, the available evidence is currently insufficient to determine the role of this variant in disease. Therefore, it has been classified as a Variant of Uncertain Significance.